The following is an entry in ClinVar:

ClinVar aggregate classification (germline): Uncertain significance (1 of 4 stars; one submission).

Submission:

Labcorp Genetics (formerly Invitae), Labcorp
Classification: Uncertain significance. Last evaluated: 2023-04-14. Review status: criteria provided, single submitter. Criteria: Invitae Variant Classification Sherloc (09022015). Collection method: clinical testing. Allele origin: germline.
Comment: This variant has not been reported in the literature in individuals affected with COL4A5-related conditions. Algorithms developed to predict the effect of sequence changes on RNA splicing suggest that this variant may disrupt the consensus splice site. In summary, the available evidence is currently insufficient to determine the role of this variant in disease. Therefore, it has been classified as a Variant of Uncertain Significance. This sequence change falls in intron 28 of the COL4A5 gene. It does not directly change the encoded amino acid sequence of the COL4A5 protein. This variant is not present in population databases (gnomAD no frequency).

NM_033380.3(COL4A5):c.2245-12T>A

Gene: COL4A5 (collagen type IV alpha 5 chain; plus strand). Cytogenetic location: Xq22.3.
Variant type: single nucleotide variant.
Coding change: c.2245-12T>A on transcript NM_033380.3 (MANE Select); 12 bases into the intron before coding-DNA position 2245, T replaced by A.
Molecular consequence: intron variant.
Genome position (GRCh38, 1-based): chrX:108,606,730, T>A. VCF-style: chrX-108606730-T-A. GRCh37 (hg19) VCF-style: chrX-107849960-T-A.
Other names: c.2245-12T>A (NM_000495.5).
Identifiers: ClinVar variation 2854442 (VCV002854442.3), dbSNP rs2524346097, ClinGen allele CA2739272634.